The following continues an entry in ClinVar:

NM_000038.6(APC):c.70C>T (p.Arg24Ter)

Gene: APC. ClinVar aggregate classification (germline): Uncertain significance. Uncertain significance (1).

Submission 20 of 20:

Department of Pathology and Laboratory Medicine, Sinai Health System
Classification: Pathogenic for Carcinoma of colon. Review status: no assertion criteria provided. Collection method: clinical testing. Allele origin: unknown. Affected: yes. Study: The Canadian Open Genetics Repository (COGR). Not counted in ClinVar's aggregate classification.
Comment: The APC p.Arg24X variant was identified in 2 of 2712 proband chromosomes (frequency: 0.0007) from individuals or families with attenuated familial adenomatous polyposis (AFAP) (Kanter-Smoler 2008, Yurgelun 2015). The variant was also identified in the following databases: dbSNP (ID: rs145945630) as "With Pathogenic allele", ClinVar (5x, pathogenic/likely pathogenic), Clinvitae (2x, pathogenic), and the Insight Colon Cancer Gene Variant Database (1x). The variant was not identified in Cosmic, MutDB, UMD-LSDB, or the Zhejiang Colon Cancer Database. This variant was identified in the Genome Aggregation Consortium (Feb 27, 2017) in 5 (0 homozygous) of 276948 chromosomes (freq. 0.00002) in the following populations: Finnish in 4 of 25788 chromosomes (freq. 0.0002) and European in 1 of 126482 chromosomes (freq. 0.000008). The p.Arg24X variant leads to a premature stop codon at position 24. This alteration would typically be predicted to result in a truncated or absent protein and loss of function. However, one study has demonstrated that for APC mutations closer to the 5â€šÃ„Ã´ terminus, an internal ribosome entry site is utilized to initiate translation at codon 184, resulting in a partially functional N-terminally truncated protein, which results in an attenuated phenotype (Heppner Goss 2002). In summary, based on the above information this variant meets our laboratoryâ€šÃ„Ã´s criteria to be classified as pathogenic.

Literature cited by the submitters: PubMed 17963004 (cited by Labcorp Genetics (formerly Invitae), Labcorp); PubMed 20685668 (cited by Labcorp Genetics (formerly Invitae), Labcorp); PubMed 12034871 (cited by Labcorp Genetics (formerly Invitae), Labcorp and Counsyl); PubMed 16461775 (cited by Labcorp Genetics (formerly Invitae), Labcorp); PubMed 18433509 (cited by 8 submitters); PubMed 25980754 (cited by 6 submitters); PubMed 18410690 (cited by University of Washington Department of Laboratory Medicine, University of Washington); PubMed 34666312 (cited by Color Diagnostics, LLC DBA Color Health and All of Us Research Program, National Institutes of Health); PubMed 9585611 (cited by All of Us Research Program, National Institutes of Health); PubMed 11257105 (cited by All of Us Research Program, National Institutes of Health); PubMed 20301519 (cited by Laboratory for Molecular Medicine, Mass General Brigham Personalized Medicine); PubMed 36988593 (cited by Laboratory for Genotyping Development, RIKEN).